The following is an entry in ClinVar:

ClinVar aggregate classification (germline): Uncertain significance (1 of 4 stars; one submission).

Conditions:
Hereditary cancer-predisposing syndrome. Also called: Neoplastic Syndromes, Hereditary; Tumor predisposition; Hereditary neoplastic syndrome; Hereditary Cancer Syndrome. Identifiers: Orphanet 140162, MedGen C0027672, MeSH D009386, MONDO:0015356.

Submission:

Ambry Genetics
Classification: Uncertain significance for Hereditary cancer-predisposing syndrome. Last evaluated: 2024-06-18. Review status: criteria provided, single submitter. Criteria: Ambry Variant Classification Scheme 2023. Collection method: clinical testing. Allele origin: germline.
Comment: The p.E2038D variant (also known as c.6114G>T), located in coding exon 44 of the POLE gene, results from a G to T substitution at nucleotide position 6114. The glutamic acid at codon 2038 is replaced by aspartic acid, an amino acid with highly similar properties. This amino acid position is conserved. In addition, this alteration is predicted to be tolerated by in silico analysis. Based on the available evidence, the clinical significance of this variant remains unclear.

NM_006231.4(POLE):c.6114G>T (p.Glu2038Asp)

Gene: POLE (DNA polymerase epsilon, catalytic subunit; minus strand). Cytogenetic location: 12q24.33.
Variant type: single nucleotide variant.
Coding change: c.6114G>T on transcript NM_006231.4 (MANE Select); coding-DNA position 6114, G replaced by T.
Protein change: p.Glu2038Asp; replaces glutamic acid 2038 with aspartic acid.
Molecular consequence: missense variant.
Genome position (GRCh38, 1-based): chr12:132,632,686, C>A on the plus strand (G>T on the coding strand, the complement: POLE is on the minus strand). VCF-style: chr12-132632686-C-A. GRCh37 (hg19) VCF-style: chr12-133209272-C-A.
Other names: short protein forms E2038D.
Identifiers: ClinVar variation 3308440 (VCV003308440.1).